The following is an entry in ClinVar:

ClinVar aggregate classification (germline): Pathogenic/Likely pathogenic. Review status: criteria provided, multiple submitters, no conflicts (2 of 4 stars). 4 submissions from 4 submitters: Pathogenic (2); Likely pathogenic (2). Last evaluated 2025-12-04.

Conditions:
Intellectual developmental disorder, autosomal dominant 72 (MRD72). Identifiers: Orphanet 652487, MedGen C5830612, MONDO:0957397, OMIM 620439.

Submissions (4):

Variantyx, Inc.
Classification: Likely pathogenic for Intellectual developmental disorder, autosomal dominant 72. Last evaluated: 2025-12-04. Review status: criteria provided, single submitter. Criteria: Variantyx Assertion Criteria 2022. Collection method: clinical testing. Allele origin: germline. Inheritance: Autosomal dominant inheritance. Affected: yes.
Comment: This is a frameshift variant in the SRRM2 gene (OMIM: 606032). Pathogenic variants in this gene have been associated with autosomal dominant intellectual developmental disorder 72. This variant introduces a premature termination codon in exon 12 out of 15 and is expected to result in loss of function, which is a known disease mechanism for SRRM2 in this disorder (PMID: 35567594) (PVS1). This variant has a 0.0001% maximum allele frequency in non-founder control populations (PM2). Based on the current evidence, this variant is classified as likely pathogenic for autosomal dominant intellectual developmental disorder 72.

GeneDx
Classification: Pathogenic. Last evaluated: 2025-05-20. Review status: criteria provided, single submitter. Criteria: GeneDx Variant Classification Process June 2021. Collection method: clinical testing. Allele origin: germline.
Comment: De novo variant with confirmed parentage in a patient in published literature from a cohort of individuals with developmental disorders; however, detailed clinical information was not provided (PMID: 33057194); Frameshift variant predicted to result in protein truncation or nonsense mediated decay in a gene for which loss of function is a known mechanism of disease; Not observed at significant frequency in large population cohorts (gnomAD); This variant is associated with the following publications: (PMID: 33057194, 35982159)

CeGaT Center for Human Genetics Tuebingen
Classification: Likely pathogenic. Last evaluated: 2024-01-01. Review status: criteria provided, single submitter. Criteria: CeGaT Center For Human Genetics Tuebingen Variant Classification Criteria Version 2. Collection method: clinical testing. Allele origin: germline. Affected: yes. Observed: 1 variant allele.
Comment: SRRM2: PVS1:Strong, PM2, PM6, PS4:Supporting

Institute of Human Genetics, University of Leipzig Medical Center
Classification: Pathogenic for Intellectual developmental disorder, autosomal dominant 72. Last evaluated: 2023-08-01. Review status: criteria provided, single submitter. Criteria: ACMG Guidelines, 2015. Collection method: clinical testing. Allele origin: unknown. Inheritance: Autosomal dominant inheritance. Affected: yes.
Comment: Criteria applied: PVS1,PS4_MOD,PM2

Literature cited by the submitters: PubMed 35567594 (cited by Variantyx, Inc.).

NM_016333.4(SRRM2):c.7748_7758del (p.Thr2583fs)

Gene: SRRM2 (serine/arginine repetitive matrix 2; plus strand). Cytogenetic location: 16p13.3.
Variant type: Microsatellite.
Coding change: c.7748_7758del on transcript NM_016333.4 (MANE Select); coding-DNA positions 7748 to 7758, 11 bases deleted (CCCCAGCCCCA).
Protein change: p.Thr2583fs; shifts the reading frame from threonine 2583.
Molecular consequence: frameshift variant.
Genome position (GRCh38, 1-based): chr16:2,769,011-2,769,021, CCCCAGCCCCA deleted; deleting any 11 consecutive bases within chr16:2,769,000-2,769,021 gives the same sequence; the c. name uses the placement nearest the transcript's 3' end. VCF-style (leftmost placement, unchanged base first): chr16-2768999-TCCCCAGCCCCA-T. GRCh37 (hg19) VCF-style: chr16-2819000-TCCCCAGCCCCA-T.
Other names: short protein forms T2583fs.
Identifiers: ClinVar variation 2498046 (VCV002498046.27), dbSNP rs2505618143, ClinGen allele CA2580613405.